The following is an entry in ClinVar:

NM_000701.8(ATP1A1):c.2689G>C (p.Asp897His)

Genes: ATP1A1 (ATPase Na+/K+ transporting subunit alpha 1; plus strand), ATP1A1-AS1 (ATP1A1 antisense RNA 1; minus strand). Cytogenetic location: 1p13.1.
Variant type: single nucleotide variant.
Coding change: c.2689G>C on transcript NM_000701.8 (MANE Select); coding-DNA position 2689, G replaced by C.
Protein change: p.Asp897His; replaces aspartic acid 897 with histidine.
Molecular consequence: missense variant. On other transcripts: non-coding transcript variant (2).
Genome position (GRCh38, 1-based): chr1:116,400,977, G>C. VCF-style: chr1-116400977-G-C. GRCh37 (hg19) VCF-style: chr1-116943599-G-C.
Other names: c.2689G>C, p.Asp897His (NM_001160233.2); c.2596G>C, p.Asp866His (NM_001160234.2); short protein forms D866H, D897H.
Identifiers: ClinVar variation 4538168 (VCV004538168.2).

ClinVar aggregate classification (germline): Uncertain significance. Review status: criteria provided, multiple submitters, no conflicts (2 of 4 stars). 2 submissions from 2 submitters: Uncertain significance (2). Last evaluated 2025-06-09.

Submissions (2):

GeneDx
Classification: Uncertain significance. Last evaluated: 2025-06-09. Review status: criteria provided, single submitter. Criteria: GeneDx Variant Classification Process June 2021. Collection method: clinical testing. Allele origin: germline. Affected: yes.
Comment: Not observed at significant frequency in large population cohorts (gnomAD); In silico analysis supports that this missense variant has a deleterious effect on protein structure/function; Has not been previously published as pathogenic or benign to our knowledge

Labcorp Genetics (formerly Invitae), Labcorp
Classification: Uncertain significance. Last evaluated: 2025-02-12. Review status: criteria provided, single submitter. Criteria: Invitae Variant Classification Sherloc (09022015). Collection method: clinical testing. Allele origin: germline.
Comment: This sequence change replaces aspartic acid, which is acidic and polar, with histidine, which is basic and polar, at codon 897 of the ATP1A1 protein (p.Asp897His). This variant is not present in population databases (gnomAD no frequency). This variant has not been reported in the literature in individuals affected with ATP1A1-related conditions. Invitae Evidence Modeling of protein sequence and biophysical properties (such as structural, functional, and spatial information, amino acid conservation, physicochemical variation, residue mobility, and thermodynamic stability) indicates that this missense variant is expected to disrupt ATP1A1 protein function with a positive predictive value of 80%. In summary, the available evidence is currently insufficient to determine the role of this variant in disease. Therefore, it has been classified as a Variant of Uncertain Significance.